The following is an entry in ClinVar:

NM_015046.7(SETX):c.2996C>T (p.Thr999Ile)

Gene: SETX (senataxin; minus strand). Cytogenetic location: 9q34.13.
Variant type: single nucleotide variant.
Coding change: c.2996C>T on transcript NM_015046.7 (MANE Select); coding-DNA position 2996, C replaced by T.
Protein change: p.Thr999Ile; replaces threonine 999 with isoleucine.
Molecular consequence: missense variant.
Genome position (GRCh38, 1-based): chr9:132,328,602, G>A on the plus strand (C>T on the coding strand, the complement: SETX is on the minus strand). VCF-style: chr9-132328602-G-A. GRCh37 (hg19) VCF-style: chr9-135203989-G-A.
Other names: c.2996C>T, p.Thr999Ile (NM_001351527.2, NM_001351528.2); short protein forms T999I.
Identifiers: ClinVar variation 3571718 (VCV003571718.1).
Genomic context (GRCh38, chr9:132,328,602, plus strand): 5'-GAATCTGAAATAATAATAACCTGTCCACGGGAGGTATCTCCAACATTATTTTGGTTAGCT[G>A]TGAAACATCTTTTATCTTCTTTTACTTTCCTTTGCAGCTGCGATGAGTTCTGAGGTGAAT-3'
Protein context (NP_055861.3, residues 989-1009): RKVKEDKRCF[Thr999Ile]ANQNNVGDTS

ClinVar aggregate classification (germline): Uncertain significance (1 of 4 stars; one submission).

Submission:

Athena Diagnostics
Classification: Uncertain significance. Last evaluated: 2024-09-03. Review status: criteria provided, single submitter. Criteria: Athena Diagnostics Criteria. Collection method: clinical testing. Allele origin: unknown.
Comment: Available data are insufficient to determine the clinical significance of the variant at this time. This variant has not been reported in large, multi-ethnic general populations. Polyphen and MutationTaster predict this amino acid change may be benign.